The following is an entry in ClinVar:

ClinVar aggregate classification (germline): Uncertain significance (1 of 4 stars; one submission).

Conditions:
Nephronophthisis 16 (NPHP16). Identifiers: Orphanet 655, MedGen C3809320, MONDO:0014158, OMIM 615382.

Submission:

Labcorp Genetics (formerly Invitae), Labcorp
Classification: Uncertain significance for Nephronophthisis 16. Last evaluated: 2022-04-17. Review status: criteria provided, single submitter. Criteria: Invitae Variant Classification Sherloc (09022015). Collection method: clinical testing. Allele origin: germline.
Comment: This sequence change replaces glutamic acid, which is acidic and polar, with aspartic acid, which is acidic and polar, at codon 777 of the ANKS6 protein (p.Glu777Asp). This variant is not present in population databases (gnomAD no frequency). This variant has not been reported in the literature in individuals affected with ANKS6-related conditions. Algorithms developed to predict the effect of missense changes on protein structure and function (SIFT, PolyPhen-2, Align-GVGD) all suggest that this variant is likely to be disruptive. In summary, the available evidence is currently insufficient to determine the role of this variant in disease. Therefore, it has been classified as a Variant of Uncertain Significance.

NM_173551.5(ANKS6):c.2331A>C (p.Glu777Asp)

Gene: ANKS6 (ankyrin repeat and sterile alpha motif domain containing 6; minus strand). Cytogenetic location: 9q22.33.
Variant type: single nucleotide variant.
Coding change: c.2331A>C on transcript NM_173551.5 (MANE Select); coding-DNA position 2331, A replaced by C.
Protein change: p.Glu777Asp; replaces glutamic acid 777 with aspartic acid.
Molecular consequence: missense variant.
Genome position (GRCh38, 1-based): chr9:98,751,092, T>G on the plus strand (A>C on the coding strand, the complement: ANKS6 is on the minus strand). VCF-style: chr9-98751092-T-G. GRCh37 (hg19) VCF-style: chr9-101513374-T-G.
Other names: short protein forms E777D.
Identifiers: ClinVar variation 2127290 (VCV002127290.1), dbSNP rs769506722, ClinGen allele CA374213960.